The following is an entry in ClinVar:

ClinVar aggregate classification (germline): Uncertain significance. Review status: criteria provided, multiple submitters, no conflicts (2 of 4 stars). 2 submissions from 2 submitters: Uncertain significance (2). Last evaluated 2025-06-23.

Conditions:
Inborn genetic diseases. Identifiers: MedGen C0950123, MeSH D030342.
Developmental and epileptic encephalopathy, 1 (DEE1). Also called: OHTAHARA SYNDROME, X-LINKED; Epileptic encephalopathy, early infantile, 1; INFANTILE SPASM SYNDROME, X-LINKED 1; X-linked infantile spasms; West's syndrome; Tonic spasms with clustering, arrest of psychomotor development and hypsarrhythmia on EEG. Identifiers: MedGen C3463992, MONDO:0010632, OMIM 308350. Disease mechanism: loss of function.
Intellectual disability, X-linked, with or without seizures, ARX-related. Also called: INTELLECTUAL DEVELOPMENTAL DISORDER, X-LINKED 29; MENTAL RETARDATION, X-LINKED 29; MENTAL RETARDATION, X-LINKED 32; MENTAL RETARDATION, X-LINKED 33; MENTAL RETARDATION, X-LINKED 38; MENTAL RETARDATION, X-LINKED 43. Identifiers: Orphanet 777, MedGen C0796244, MONDO:0010317, OMIM 300419.

Submissions (2):

Labcorp Genetics (formerly Invitae), Labcorp
Classification: Uncertain significance for Developmental and epileptic encephalopathy, 1; Intellectual disability, X-linked, with or without seizures, ARX-related. Last evaluated: 2025-06-23. Review status: criteria provided, single submitter. Criteria: Invitae Variant Classification Sherloc (09022015). Collection method: clinical testing. Allele origin: germline.
Comment: This sequence change replaces proline, which is neutral and non-polar, with leucine, which is neutral and non-polar, at codon 135 of the ARX protein (p.Pro135Leu). The frequency data for this variant in the population databases is considered unreliable, as metrics indicate insufficient coverage at this position in the gnomAD database. This variant has not been reported in the literature in individuals affected with ARX-related conditions. ClinVar contains an entry for this variant (Variation ID: 589667). Invitae Evidence Modeling of protein sequence and biophysical properties (such as structural, functional, and spatial information, amino acid conservation, physicochemical variation, residue mobility, and thermodynamic stability) indicates that this missense variant is not expected to disrupt ARX protein function with a negative predictive value of 95%. In summary, the available evidence is currently insufficient to determine the role of this variant in disease. Therefore, it has been classified as a Variant of Uncertain Significance.

Ambry Genetics
Classification: Uncertain significance for Inborn genetic diseases. Last evaluated: 2017-05-31. Review status: criteria provided, single submitter. Criteria: Ambry Variant Classification Scheme 2023. Collection method: clinical testing. Allele origin: germline.
Comment: The p.P135L variant (also known as c.404C>T), located in coding exon 2 of the ARX gene, results from a C to T substitution at nucleotide position 404. The proline at codon 135 is replaced by leucine, an amino acid with similar properties. This amino acid position is conserved on limited sequence alignment. In addition, this alteration is predicted to be tolerated by in silico analysis. Since supporting evidence is limited at this time, the clinical significance of this alteration remains unclear.

NM_139058.3(ARX):c.404C>T (p.Pro135Leu)

Genes: ARX (aristaless related homeobox; minus strand), LOC109610631 (aristaless related homeobox polyalanine expansion region; plus strand). Cytogenetic location: Xp21.3.
Variant type: single nucleotide variant.
Coding change: c.404C>T on transcript NM_139058.3 (MANE Select); coding-DNA position 404, C replaced by T.
Protein change: p.Pro135Leu; replaces proline 135 with leucine.
Molecular consequence: missense variant.
Genome position (GRCh38, 1-based): chrX:25,013,591, G>A on the plus strand (C>T on the coding strand, the complement: ARX is on the minus strand). VCF-style: chrX-25013591-G-A. GRCh37 (hg19) VCF-style: chrX-25031708-G-A.
Other names: short protein forms P135L.
Identifiers: ClinVar variation 589667 (VCV000589667.10), dbSNP rs1569395563, ClinGen allele CA412613250.